The following is an entry in ClinVar:

ClinVar aggregate classification (germline): Uncertain significance. Review status: criteria provided, multiple submitters, no conflicts (2 of 4 stars). 2 submissions from 2 submitters: Uncertain significance (2). Last evaluated 2024-01-22.

Conditions:
Hyper-IgE recurrent infection syndrome 3, autosomal recessive. Also called: HYPER-IgE SYNDROME 3, AUTOSOMAL RECESSIVE, WITH RECURRENT INFECTIONS; Autosomal recessive hyper-IgE syndrome due to ZNF341 deficiency. Identifiers: Orphanet 641368, MedGen C4748969, MONDO:0032654, OMIM 618282.

Allele frequency attached by ClinVar (database versions not stated): gnomAD exomes below 0.00001; TOPMed 0.00002.
gnomAD v4.1: 3 of 1,613,874 alleles (0.00019%); highest among the groups gnomAD compares: Non-Finnish European, 0.00025%; no homozygotes.

Submissions (2):

Labcorp Genetics (formerly Invitae), Labcorp
Classification: Uncertain significance for Combined immunodeficiency due to DOCK8 deficiency. Last evaluated: 2024-01-22. Review status: criteria provided, single submitter. Criteria: Invitae Variant Classification Sherloc (09022015). Collection method: clinical testing. Allele origin: germline.
Comment: This sequence change replaces threonine, which is neutral and polar, with methionine, which is neutral and non-polar, at codon 96 of the DOCK8 protein (p.Thr96Met). This variant is not present in population databases (gnomAD no frequency). This variant has not been reported in the literature in individuals affected with DOCK8-related conditions. ClinVar contains an entry for this variant (Variation ID: 452951). Advanced modeling of protein sequence and biophysical properties (such as structural, functional, and spatial information, amino acid conservation, physicochemical variation, residue mobility, and thermodynamic stability) performed at Invitae indicates that this missense variant is not expected to disrupt DOCK8 protein function with a negative predictive value of 80%. In summary, the available evidence is currently insufficient to determine the role of this variant in disease. Therefore, it has been classified as a Variant of Uncertain Significance.

GeneDx
Classification: Uncertain significance. Last evaluated: 2017-10-18. Review status: criteria provided, single submitter. Criteria: GeneDx Variant Classification (06012015). Collection method: clinical testing. Allele origin: germline. Affected: yes.
Comment: The T96M variant in the DOCK8 gene has not been reported previously as a pathogenic variant, nor as a benign variant, to our knowledge. The T96M variant is not observed in large population cohorts (Lek et al., 2016). The T96M variant is a non-conservative amino acid substitution, which is likely to impact secondary protein structure as these residues differ in polarity, charge, size and/or other properties. This substitution occurs at a position that is conserved in mammals. In silico analysis is inconsistent in its predictions as to whether or not the variant is damaging to the protein structure/function. We interpret T96M as a variant of uncertain significance.

NM_203447.4(DOCK8):c.287C>T (p.Thr96Met)

Genes: DOCK8 (dedicator of cytokinesis 8; plus strand), LOC126860552 (BRD4-independent group 4 enhancer GRCh37_chr9:285795-286994; plus strand). Cytogenetic location: 9p24.3.
Variant type: single nucleotide variant.
Coding change: c.287C>T on transcript NM_203447.4 (MANE Select); coding-DNA position 287, C replaced by T.
Protein change: p.Thr96Met; replaces threonine 96 with methionine.
Molecular consequence: missense variant.
Genome position (GRCh38, 1-based): chr9:286,591, C>T. VCF-style: chr9-286591-C-T. GRCh37 (hg19) VCF-style: chr9-286591-C-T.
Other names: c.83C>T, p.Thr28Met (NM_001190458.2, NM_001193536.2); short protein forms T96M, T28M.
Identifiers: ClinVar variation 452951 (VCV000452951.10), dbSNP rs1442708191, ClinGen allele CA372756369.